The following is an entry in ClinVar:

ClinVar aggregate classification (germline): Uncertain significance (1 of 4 stars; one submission).

Conditions:
Neuropathy, hereditary sensory and autonomic, type 2A (HSAN2A). Also called: WNK1-Related HSAN2 (HSAN2A); ACROOSTEOLYSIS, GIACCAI TYPE; ACROOSTEOLYSIS, NEUROGENIC; MORVAN DISEASE; NEUROPATHY, CONGENITAL SENSORY; NEUROPATHY, HEREDITARY SENSORY RADICULAR, AUTOSOMAL RECESSIVE. Identifiers: Orphanet 970, MedGen C2752089, MONDO:0024309, OMIM 201300.
Pseudohypoaldosteronism type 2C (PHA2C). Also called: Pseudohypoaldosteronism Type IIC. Identifiers: Orphanet 757, Orphanet 88940, MedGen C1840391, MONDO:0013778, OMIM 614492.

gnomAD v4.1: 2 of 1,614,050 alleles (0.00012%); highest among the groups gnomAD compares: Non-Finnish European, 0.00017%; no homozygotes.

Submission:

Labcorp Genetics (formerly Invitae), Labcorp
Classification: Uncertain significance for Neuropathy, hereditary sensory and autonomic, type 2A; Pseudohypoaldosteronism type 2C. Last evaluated: 2025-03-30. Review status: criteria provided, single submitter. Criteria: Invitae Variant Classification Sherloc (09022015). Collection method: clinical testing. Allele origin: germline.
Comment: This sequence change replaces alanine, which is neutral and non-polar, with valine, which is neutral and non-polar, at codon 598 of the WNK1 protein (p.Ala598Val). This variant is not present in population databases (gnomAD no frequency). This variant has not been reported in the literature in individuals affected with WNK1-related conditions. Invitae Evidence Modeling of protein sequence and biophysical properties (such as structural, functional, and spatial information, amino acid conservation, physicochemical variation, residue mobility, and thermodynamic stability) indicates that this missense variant is not expected to disrupt WNK1 protein function with a negative predictive value of 95%. In summary, the available evidence is currently insufficient to determine the role of this variant in disease. Therefore, it has been classified as a Variant of Uncertain Significance.

NM_018979.4(WNK1):c.1793C>T (p.Ala598Val)

Gene: WNK1 (WNK lysine deficient protein kinase 1; plus strand). Cytogenetic location: 12p13.33.
Variant type: single nucleotide variant.
Coding change: c.1793C>T on transcript NM_018979.4 (MANE Select); coding-DNA position 1793, C replaced by T.
Protein change: p.Ala598Val; replaces alanine 598 with valine.
Molecular consequence: missense variant.
Genome position (GRCh38, 1-based): chr12:861,185, C>T. VCF-style: chr12-861185-C-T. GRCh37 (hg19) VCF-style: chr12-970351-C-T.
Other names: c.1793C>T, p.Ala598Val (NM_001184985.2, NM_014823.3, NM_213655.5); short protein forms A598V.
Identifiers: ClinVar variation 4788582 (VCV004788582.1).